The following is an entry in ClinVar:

NM_014324.6(AMACR):c.13G>A (p.Gly5Ser)

Genes: AMACR (alpha-methylacyl-CoA racemase; minus strand), C1QTNF3-AMACR (C1QTNF3-AMACR readthrough (NMD candidate); minus strand). Cytogenetic location: 5p13.2.
Variant type: single nucleotide variant.
Coding change: c.13G>A on transcript NM_014324.6 (MANE Select); coding-DNA position 13, G replaced by A.
Protein change: p.Gly5Ser; replaces glycine 5 with serine.
Molecular consequence: missense variant.
Genome position (GRCh38, 1-based): chr5:34,008,007, C>T on the plus strand (G>A on the coding strand, the complement: AMACR is on the minus strand). VCF-style: chr5-34008007-C-T. GRCh37 (hg19) VCF-style: chr5-34008112-C-T.
Other names: c.13G>A, p.Gly5Ser (NM_001167595.2, NM_203382.3); short protein forms G5S.
Identifiers: ClinVar variation 1500823 (VCV001500823.3), dbSNP rs1192420459, ClinGen allele CA359385503.

ClinVar aggregate classification (germline): Uncertain significance (1 of 4 stars; one submission).

Conditions:
Alpha-methylacyl-CoA racemase deficiency (AMACRD). Also called: AMACR deficiency. Identifiers: Orphanet 79095, MedGen C3280428, MONDO:0013681, OMIM 614307. Disease mechanism: loss of function.

Allele frequency attached by ClinVar (database versions not stated): gnomAD exomes below 0.00001; TOPMed 0.00002.
gnomAD v4.1: 4 of 1,610,924 alleles (0.00025%); highest among the groups gnomAD compares: African/African-American, 0.004%; no homozygotes.

Submission:

Labcorp Genetics (formerly Invitae), Labcorp
Classification: Uncertain significance for Alpha-methylacyl-CoA racemase deficiency. Last evaluated: 2022-01-14. Review status: criteria provided, single submitter. Criteria: Invitae Variant Classification Sherloc (09022015). Collection method: clinical testing. Allele origin: germline.
Comment: This sequence change replaces glycine, which is neutral and non-polar, with serine, which is neutral and polar, at codon 5 of the AMACR protein (p.Gly5Ser). This variant is present in population databases (no rsID available, gnomAD 0.007%). This variant has not been reported in the literature in individuals affected with AMACR-related conditions. Algorithms developed to predict the effect of missense changes on protein structure and function (SIFT, PolyPhen-2, Align-GVGD) all suggest that this variant is likely to be disruptive. In summary, the available evidence is currently insufficient to determine the role of this variant in disease. Therefore, it has been classified as a Variant of Uncertain Significance.